The following is an entry in ClinVar:

ClinVar aggregate classification (germline): Pathogenic/Likely pathogenic. Review status: criteria provided, multiple submitters, no conflicts (2 of 4 stars). 2 submissions from 2 submitters: Pathogenic (1); Likely pathogenic (1). Last evaluated 2024-06-07.

Conditions:
Mucopolysaccharidosis, MPS-II (MPS2). Also called: Mucopolysaccharidosis with skin involvement; Mucopolysaccharidosis type 2; Attenuated MPS (subtype; formerly known as mild MPS II); Severe MPS II; I2S deficiency; MPS 2. Identifiers: Orphanet 580, Orphanet 79388, MedGen C0026705, MONDO:0010674, OMIM 309900.

Submissions (2):

Laboratory of Diagnosis and Therapy of Lysosomal Disorders, University of Padova
Classification: Pathogenic for Mucopolysaccharidosis, MPS-II. Last evaluated: 2024-06-07. Review status: criteria provided, single submitter. Criteria: ACMG Guidelines, 2015. Collection method: literature only. Allele origin: germline. Affected: yes. Observed: 2 variant alleles.
Comment: Absent from controls (or at low frequency) in gnomAD database (PM2_Moderate), Missense change at the same amino acid residue as a pathogenic variant (PM5_Moderate), Missense variant in a gene with a low rate of benign missense variation (PP2_Supporting), Multiple lines of computational evidence support a deleterious effect (PP3_Supporting), Patient’s phenotype or family history highly specific for the disease (PP4_Strong)

Classification method: ACMG Guidelines [PMID:25741868] with modifications

Labcorp Genetics (formerly Invitae), Labcorp
Classification: Likely pathogenic for Mucopolysaccharidosis, MPS-II. Last evaluated: 2023-10-05. Review status: criteria provided, single submitter. Criteria: Invitae Variant Classification Sherloc (09022015). Collection method: clinical testing. Allele origin: germline.
Comment: This sequence change replaces glycine, which is neutral and non-polar, with glutamic acid, which is acidic and polar, at codon 336 of the IDS protein (p.Gly336Glu). This variant is not present in population databases (gnomAD no frequency). This missense change has been observed in individual(s) with mucopolysaccharidosis II (PMID: 9660053, 24454794, 24515576; Invitae). An algorithm developed to predict the effect of missense changes on protein structure and function (PolyPhen-2) suggests that this variant is likely to be disruptive. This variant disrupts the p.Ala336 amino acid residue in IDS. Other variant(s) that disrupt this residue have been observed in individuals with IDS-related conditions (PMID: 16133661, 33960103), which suggests that this may be a clinically significant amino acid residue. In summary, the currently available evidence indicates that the variant is pathogenic, but additional data are needed to prove that conclusively. Therefore, this variant has been classified as Likely Pathogenic.

Literature cited by the submitters: PubMed 9660053 (cited by Laboratory of Diagnosis and Therapy of Lysosomal Disorders, University of Padova and Labcorp Genetics (formerly Invitae), Labcorp); PubMed 24515576 (cited by Laboratory of Diagnosis and Therapy of Lysosomal Disorders, University of Padova and Labcorp Genetics (formerly Invitae), Labcorp); PubMed 24454794 (cited by Labcorp Genetics (formerly Invitae), Labcorp); PubMed 16133661 (cited by Labcorp Genetics (formerly Invitae), Labcorp); PubMed 33960103 (cited by Labcorp Genetics (formerly Invitae), Labcorp).

NM_000202.8(IDS):c.1007G>A (p.Gly336Glu)

Genes: IDS (iduronate 2-sulfatase; minus strand), LOC106050102 (IDS recombination region; plus strand). Cytogenetic location: Xq28.
Variant type: single nucleotide variant.
Coding change: c.1007G>A on transcript NM_000202.8 (MANE Select); coding-DNA position 1007, G replaced by A.
Protein change: p.Gly336Glu; replaces glycine 336 with glutamic acid.
Molecular consequence: missense variant.
Genome position (GRCh38, 1-based): chrX:149,487,098, C>T on the plus strand (G>A on the coding strand, the complement: IDS is on the minus strand). VCF-style: chrX-149487098-C-T. GRCh37 (hg19) VCF-style: chrX-148568629-C-T.
Other names: c.737G>A, p.Gly246Glu (NM_001166550.4); short protein forms G336E, G246E.
Identifiers: ClinVar variation 2737383 (VCV002737383.5), dbSNP rs2520785646, ClinGen allele CA414519044.